The following is an entry in ClinVar:

ClinVar aggregate classification (germline): Pathogenic/Likely pathogenic. Review status: criteria provided, multiple submitters, no conflicts (2 of 4 stars). 2 submissions from 2 submitters: Pathogenic (1); Likely pathogenic (1). Last evaluated 2024-01-26.

Conditions:
Infantile liver failure syndrome 2 (ILFS2). Identifiers: MedGen C3809651, MONDO:0014659, OMIM 616483.
Short stature-optic atrophy-Pelger-Huët anomaly syndrome. Also called: Short stature-optic atrophy-Pelger-HuC+t anomaly syndrome; Short stature, optic nerve atrophy, and Pelger-Huet anomaly. Identifiers: Orphanet 391677, MedGen C3541319, MONDO:0013889, OMIM 614800.

Allele frequency attached by ClinVar (database versions not stated): gnomAD 0.00001; TOPMed 0.00001; gnomAD exomes 0.00002.
gnomAD v4.1: 25 of 1,612,414 alleles (0.0016%); highest among the groups gnomAD compares: Non-Finnish European, 0.0021%; no homozygotes.

Submissions (2):

Labcorp Genetics (formerly Invitae), Labcorp
Classification: Pathogenic. Last evaluated: 2024-01-26. Review status: criteria provided, single submitter. Criteria: Invitae Variant Classification Sherloc (09022015). Collection method: clinical testing. Allele origin: germline.
Comment: This sequence change creates a premature translational stop signal (p.Arg694*) in the NBAS gene. It is expected to result in an absent or disrupted protein product. Loss-of-function variants in NBAS are known to be pathogenic (PMID: 26073778, 26541327, 27789416, 28031453). This variant is present in population databases (no rsID available, gnomAD 0.007%). This variant has not been reported in the literature in individuals affected with NBAS-related conditions. Algorithms developed to predict the effect of sequence changes on RNA splicing suggest that this variant may disrupt the consensus splice site. For these reasons, this variant has been classified as Pathogenic.

Juno Genomics, Hangzhou Juno Genomics, Inc
Classification: Likely pathogenic for Short stature-optic atrophy-Pelger-Huët anomaly syndrome; Infantile liver failure syndrome 2. Review status: criteria provided, single submitter. Criteria: ACMG Guidelines, 2015. Collection method: clinical testing. Allele origin: germline.
Comment: Absent from controls (or at extremely low frequency if recessive) in Genome Aggregation Database.;Null variant in a gene where loss of function (LOF) is a known mechanism of disease.

Literature cited by the submitters: PubMed 26073778 (cited by Labcorp Genetics (formerly Invitae), Labcorp); PubMed 26541327 (cited by Labcorp Genetics (formerly Invitae), Labcorp); PubMed 27789416 (cited by Labcorp Genetics (formerly Invitae), Labcorp); PubMed 28031453 (cited by Labcorp Genetics (formerly Invitae), Labcorp).

NM_015909.4(NBAS):c.2080C>T (p.Arg694Ter)

Gene: NBAS (NBAS subunit of NRZ tethering complex; minus strand). Cytogenetic location: 2p24.3.
Variant type: single nucleotide variant.
Coding change: c.2080C>T on transcript NM_015909.4 (MANE Select); coding-DNA position 2080, C replaced by T.
Protein change: p.Arg694Ter; replaces arginine 694 with a stop codon.
Molecular consequence: nonsense. On other transcripts: non-coding transcript variant (1).
Genome position (GRCh38, 1-based): chr2:15,467,346, G>A on the plus strand (C>T on the coding strand, the complement: NBAS is on the minus strand). VCF-style: chr2-15467346-G-A. GRCh37 (hg19) VCF-style: chr2-15607470-G-A.
Other names: short protein forms R694*.
Identifiers: ClinVar variation 3014184 (VCV003014184.5), dbSNP rs1449768284, ClinGen allele CA345882223.
Genomic context (GRCh38, chr2:15,467,346, plus strand): 5'-AGATCAAATGAACATAATTGGTTTGACAAAAATTATTCATTACCTCATATGTTGCAAGTC[G>A]ATCTAAGTAGGTTAATAACTTCCGTCTACAACGGCAAAGTTCCTTTTGTTCCAGTGTCAA-3'